The following is an entry in ClinVar:

ClinVar aggregate classification (germline): Uncertain significance. Review status: criteria provided, multiple submitters, no conflicts (2 of 4 stars). 2 submissions from 2 submitters: Uncertain significance (2). Last evaluated 2024-11-12.

Allele frequency attached by ClinVar (database versions not stated): ExAC 0.00001.
gnomAD v4.1: 8 of 1,613,308 alleles (0.0005%); highest among the groups gnomAD compares: East Asian, 0.0022%; no homozygotes.

Submissions (2):

Blueprint Genetics
Classification: Uncertain significance. Last evaluated: 2024-11-12. Review status: criteria provided, single submitter. Criteria: ACMG Guidelines, 2015. Collection method: clinical testing. Allele origin: germline.

Labcorp Genetics (formerly Invitae), Labcorp
Classification: Uncertain significance. Last evaluated: 2023-07-17. Review status: criteria provided, single submitter. Criteria: Invitae Variant Classification Sherloc (09022015). Collection method: clinical testing. Allele origin: germline.
Comment: In summary, the available evidence is currently insufficient to determine the role of this variant in disease. Therefore, it has been classified as a Variant of Uncertain Significance. An algorithm developed to predict the effect of missense changes on protein structure and function (PolyPhen-2) suggests that this variant is likely to be disruptive. ClinVar contains an entry for this variant (Variation ID: 1509379). This variant has not been reported in the literature in individuals affected with RBP3-related conditions. This variant is present in population databases (rs782150414, gnomAD 0.003%). This sequence change replaces valine, which is neutral and non-polar, with leucine, which is neutral and non-polar, at codon 254 of the RBP3 protein (p.Val254Leu).

NM_002900.3(RBP3):c.760G>C (p.Val254Leu)

Gene: RBP3 (retinol binding protein 3; plus strand). Cytogenetic location: 10q11.22.
Variant type: single nucleotide variant.
Coding change: c.760G>C on transcript NM_002900.3 (MANE Select); coding-DNA position 760, G replaced by C.
Protein change: p.Val254Leu; replaces valine 254 with leucine.
Molecular consequence: missense variant.
Genome position (GRCh38, 1-based): chr10:47,349,244, G>C. VCF-style: chr10-47349244-G-C. GRCh37 (hg19) VCF-style: chr10-48390118-C-G.
Other names: short protein forms V254L.
Identifiers: ClinVar variation 1509379 (VCV001509379.7), dbSNP rs782150414, ClinGen allele CA5487702.